The following is an entry in ClinVar:

ClinVar aggregate classification (germline): Benign/Likely benign. Review status: criteria provided, single submitter (1 of 4 stars). 2 submissions from 1 submitter: Benign (1); Likely benign (1). Last evaluated 2018-01-12.

Conditions:
Amyotrophic lateral sclerosis type 8 (ALS8). Identifiers: Orphanet 803, MedGen C1837728, MONDO:0012077, OMIM 608627.
Adult-onset proximal spinal muscular atrophy, autosomal dominant. Also called: FINKEL LATE-ADULT TYPE SMA; Spinal muscular atrophy, late-onset, finkel type. Identifiers: Orphanet 209335, MedGen C1854058, MONDO:0008453, OMIM 182980.

Allele frequency attached by ClinVar (database versions not stated): ExAC 0.00009; gnomAD exomes 0.00019 and 0.00032; gnomAD 0.00153 and 0.00163; TOPMed 0.00167; 1000 Genomes Project 0.00180; 1000 Genomes Project 30x 0.00219.
gnomAD v4.1: 294 of 453,582 alleles (0.065%); highest among the groups gnomAD compares: African/African-American, 0.49%; no homozygotes.

Submissions (2):

Illumina Laboratory Services, Illumina
Classification: Likely benign for Adult-onset proximal spinal muscular atrophy, autosomal dominant. Last evaluated: 2018-01-12. Review status: criteria provided, single submitter. Criteria: ICSL Variant Classification Criteria 13 December 2019. Collection method: clinical testing. Allele origin: germline.
Comment: This variant was observed in the ICSL laboratory as part of a predisposition screen in an ostensibly healthy population. It had not been previously curated by ICSL or reported in the Human Gene Mutation Database (HGMD: prior to June 1st, 2018), and was therefore a candidate for classification through an automated scoring system. Utilizing variant allele frequency, disease prevalence and penetrance estimates, and inheritance mode, an automated score was calculated to assess if this variant is too frequent to cause the disease. Based on the score and internal cut-off values, a variant classified as likely benign is not then subjected to further curation. The score for this variant resulted in a classification of likely benign for this disease.

Illumina Laboratory Services, Illumina
Classification: Benign for Amyotrophic lateral sclerosis type 8. Last evaluated: 2018-01-12. Review status: criteria provided, single submitter. Criteria: ICSL Variant Classification Criteria 13 December 2019. Collection method: clinical testing. Allele origin: germline.
Comment: This variant was observed in the ICSL laboratory as part of a predisposition screen in an ostensibly healthy population. It had not been previously curated by ICSL or reported in the Human Gene Mutation Database (HGMD: prior to June 1st, 2018), and was therefore a candidate for classification through an automated scoring system. Utilizing variant allele frequency, disease prevalence and penetrance estimates, and inheritance mode, an automated score was calculated to assess if this variant is too frequent to cause the disease. Based on the score and internal cut-off values, a variant classified as benign is not then subjected to further curation. The score for this variant resulted in a classification of benign for this disease.

NM_004738.5(VAPB):c.*4072C>T

Gene: VAPB (VAMP associated protein B and C; plus strand). Cytogenetic location: 20q13.32.
Variant type: single nucleotide variant.
Coding change: c.*4072C>T on transcript NM_004738.5 (MANE Select); 4072 bases downstream of the stop codon, C replaced by T.
Molecular consequence: 3 prime UTR variant. On other transcripts: non-coding transcript variant (1).
Genome position (GRCh38, 1-based): chr20:58,448,307, C>T. VCF-style: chr20-58448307-C-T. GRCh37 (hg19) VCF-style: chr20-57023363-C-T.
Other names: c.*4142C>T (NM_001195677.2).
Identifiers: ClinVar variation 338986 (VCV000338986.6), dbSNP rs190652187, ClinGen allele CA9924567.